The following is an entry in ClinVar:

NM_004415.4(DSP):c.2479A>G (p.Thr827Ala)

Gene: DSP (desmoplakin; plus strand). Cytogenetic location: 6p24.3.
Variant type: single nucleotide variant.
Coding change: c.2479A>G on transcript NM_004415.4 (MANE Select); coding-DNA position 2479, A replaced by G.
Protein change: p.Thr827Ala; replaces threonine 827 with alanine.
Molecular consequence: missense variant.
Genome position (GRCh38, 1-based): chr6:7,575,337, A>G. VCF-style: chr6-7575337-A-G. GRCh37 (hg19) VCF-style: chr6-7575570-A-G.
Other names: c.2479A>G, p.Thr827Ala (NM_001008844.3, NM_001319034.2); short protein forms T827A.
Identifiers: ClinVar variation 3749731 (VCV003749731.2).

ClinVar aggregate classification (germline): Uncertain significance (1 of 4 stars; one submission).

Conditions:
Arrhythmogenic right ventricular dysplasia 8 (ARVD8). Also called: Arrhythmogenic Right Ventricular Dysplasia/Cardiomyopathy 8; ARRHYTHMOGENIC RIGHT VENTRICULAR DYSPLASIA, FAMILIAL, 8; ARRHYTHMOGENIC RIGHT VENTRICULAR CARDIOMYOPATHY 8. Identifiers: MedGen C1843896, MONDO:0011831, OMIM 607450.
Arrhythmogenic cardiomyopathy with wooly hair and keratoderma. Also called: PALMOPLANTAR KERATODERMA WITH LEFT VENTRICULAR CARDIOMYOPATHY AND WOOLLY HAIR; Carvajal syndrome; Dilated cardiomyopathy with woolly hair and keratoderma; Arrhythmogenic cardiomyopathy with woolly hair and keratoderma. Identifiers: Orphanet 65282, MedGen C1854063, MONDO:0011581, OMIM 605676.

gnomAD v4.1: 3 of 1,614,010 alleles (0.00019%); highest among the groups gnomAD compares: Non-Finnish European, 0.00025%; no homozygotes.

Submission:

Labcorp Genetics (formerly Invitae), Labcorp
Classification: Uncertain significance for Arrhythmogenic cardiomyopathy with wooly hair and keratoderma; Arrhythmogenic right ventricular dysplasia 8. Last evaluated: 2025-01-13. Review status: criteria provided, single submitter. Criteria: Invitae Variant Classification Sherloc (09022015). Collection method: clinical testing. Allele origin: germline.
Comment: This sequence change replaces threonine, which is neutral and polar, with alanine, which is neutral and non-polar, at codon 827 of the DSP protein (p.Thr827Ala). This variant is not present in population databases (gnomAD no frequency). This variant has not been reported in the literature in individuals affected with DSP-related conditions. An algorithm developed to predict the effect of missense changes on protein structure and function (PolyPhen-2) suggests that this variant is likely to be tolerated. In summary, the available evidence is currently insufficient to determine the role of this variant in disease. Therefore, it has been classified as a Variant of Uncertain Significance.